The following is an entry in ClinVar:

NM_000245.4(MET):c.*1871G>A

Gene: MET (MET proto-oncogene, receptor tyrosine kinase; plus strand). Cytogenetic location: 7q31.2.
Variant type: single nucleotide variant.
Coding change: c.*1871G>A on transcript NM_000245.4 (MANE Select); 1871 bases downstream of the stop codon, G replaced by A.
Molecular consequence: 3 prime UTR variant.
Genome position (GRCh38, 1-based): chr7:116,797,995, G>A. VCF-style: chr7-116797995-G-A. GRCh37 (hg19) VCF-style: chr7-116438049-G-A.
Other names: c.*1871G>A (NM_001127500.3, NM_001324402.2).
Identifiers: ClinVar variation 910967 (VCV000910967.4), dbSNP rs139377965, ClinGen allele CA165451224.

ClinVar aggregate classification (germline): Benign (1 of 4 stars; one submission).

Conditions:
Papillary renal cell carcinoma type 1 (RCCP1). Also called: RENAL CELL CARCINOMA, PAPILLARY, 1, SOMATIC; Renal adenocarcinoma; Renal cell carcinoma 1; Renal cell carcinoma, somatic. Identifiers: Orphanet 47044, MedGen C1336839, OMIM 605074, HP:0011797.

Allele frequency attached by ClinVar (database versions not stated): gnomAD exomes 0.00045; gnomAD 0.00147 and 0.00152; TOPMed 0.00159; 1000 Genomes Project 0.00260; 1000 Genomes Project 30x 0.00265.
gnomAD v4.1: 252 of 219,578 alleles (0.11%); highest among the groups gnomAD compares: African/African-American, 0.48%; no homozygotes.

Submission:

Illumina Laboratory Services, Illumina
Classification: Benign for Papillary renal cell carcinoma type 1. Last evaluated: 2018-01-13. Review status: criteria provided, single submitter. Criteria: ICSL Variant Classification Criteria 13 December 2019. Collection method: clinical testing. Allele origin: germline.
Comment: This variant was observed in the ICSL laboratory as part of a predisposition screen in an ostensibly healthy population. It had not been previously curated by ICSL or reported in the Human Gene Mutation Database (HGMD: prior to June 1st, 2018), and was therefore a candidate for classification through an automated scoring system. Utilizing variant allele frequency, disease prevalence and penetrance estimates, and inheritance mode, an automated score was calculated to assess if this variant is too frequent to cause the disease. Based on the score and internal cut-off values, a variant classified as benign is not then subjected to further curation. The score for this variant resulted in a classification of benign for this disease.